The following is an entry in ClinVar:

ClinVar aggregate classification (germline): Uncertain significance (1 of 4 stars; one submission).

Conditions:
Peutz-Jeghers syndrome (PJS). Also called: Peutz-Jeghers polyposis; Periorificial lentiginosis syndrome; POLYPOSIS, HAMARTOMATOUS INTESTINAL; POLYPS-AND-SPOTS SYNDROME. Identifiers: Orphanet 2869, MedGen C0031269, MeSH D010580, MONDO:0008280, OMIM 175200.

Submission:

Labcorp Genetics (formerly Invitae), Labcorp
Classification: Uncertain significance for Peutz-Jeghers syndrome. Last evaluated: 2019-12-04. Review status: criteria provided, single submitter. Criteria: Invitae Variant Classification Sherloc (09022015). Collection method: clinical testing. Allele origin: germline.
Comment: This variant is not present in population databases (ExAC no frequency). In summary, the available evidence is currently insufficient to determine the role of this variant in disease. Therefore, it has been classified as a Variant of Uncertain Significance. Algorithms developed to predict the effect of missense changes on protein structure and function are either unavailable or do not agree on the potential impact of this missense change (SIFT: "Tolerated"; PolyPhen-2: "Benign"; Align-GVGD: "Class C0"). This variant has not been reported in the literature in individuals with STK11-related conditions. This sequence change replaces lysine with asparagine at codon 97 of the STK11 protein (p.Lys97Asn). The lysine residue is highly conserved and there is a moderate physicochemical difference between lysine and asparagine.

NM_000455.5(STK11):c.291G>C (p.Lys97Asn)

Gene: STK11 (serine/threonine kinase 11; plus strand). Cytogenetic location: 19p13.3.
Variant type: single nucleotide variant.
Coding change: c.291G>C on transcript NM_000455.5 (MANE Select); coding-DNA position 291, G replaced by C.
Protein change: p.Lys97Asn; replaces lysine 97 with asparagine.
Molecular consequence: missense variant.
Genome position (GRCh38, 1-based): chr19:1,218,417, G>C. VCF-style: chr19-1218417-G-C. GRCh37 (hg19) VCF-style: chr19-1218416-G-C.
Other names: short protein forms K97N.
Identifiers: ClinVar variation 856981 (VCV000856981.9), dbSNP rs1599924529, ClinGen allele CA402947617.